The following is an entry in ClinVar:

ClinVar aggregate classification (germline): Pathogenic/Likely pathogenic. Review status: criteria provided, multiple submitters, no conflicts (2 of 4 stars). 2 submissions from 2 submitters: Pathogenic (1); Likely pathogenic (1). Last evaluated 2026-03-18.

Conditions:
Congenital disorder of deglycosylation 2 (CDDG2). Identifiers: MedGen C5676931, MONDO:0030770, OMIM 619775.
MAN2C1-related disorder. Also called: MAN2C1-related condition.

Submissions (2):

Women's Health and Genetics/Laboratory Corporation of America, LabCorp
Classification: Pathogenic for Congenital disorder of deglycosylation 2. Last evaluated: 2026-03-18. Review status: criteria provided, single submitter. Criteria: LabCorp Variant Classification Summary - May 2015. Collection method: clinical testing. Allele origin: germline.
Comment: Variant summary: MAN2C1 c.2568_2571delGGAT (p.Met856IlefsX52) results in a premature termination codon, predicted to cause absence of the protein due to nonsense mediated decay, which is a commonly known mechanism for disease. The variant allele was found at a frequency of 6.4e-05 in 251228 control chromosomes (gnomAD). This frequency is not significantly higher than estimated for disease-causing variants in MAN2C1, allowing no conclusion about variant significance. To our knowledge, no occurrence of c.2568_2571delGGAT in individuals affected with MAN2C1-related conditions and no experimental evidence demonstrating its impact on protein function have been reported. No submitters have cited clinical-significance assessments for this variant to ClinVar. Based on the evidence outlined above, the variant was classified as pathogenic.

PreventionGenetics, part of Exact Sciences
Classification: Likely pathogenic for MAN2C1-related condition. Last evaluated: 2026-03-09. Review status: criteria provided, single submitter. Criteria: ACMG Guidelines, 2015. Collection method: clinical testing. Allele origin: germline.
Comment: The MAN2C1 c.2619_2622delGGAT variant is predicted to result in a frameshift and premature protein termination (p.Met873Ilefs*52). To our knowledge, this variant has not been reported in the literature. This variant is reported in 0.012% of alleles in individuals of European (Non-Finnish) descent in gnomAD. Frameshift variants in MAN2C1 are expected to be pathogenic. This variant is interpreted as likely pathogenic.

NM_006715.4(MAN2C1):c.2568_2571del (p.Met856fs)

Genes: MAN2C1 (mannosidase alpha class 2C member 1; minus strand), NEIL1 (nei like DNA glycosylase 1; plus strand). Cytogenetic location: 15q24.2.
Variant type: Microsatellite.
Coding change: c.2568_2571del on transcript NM_006715.4 (MANE Select); coding-DNA positions 2568 to 2571, 4 bases deleted (GGAT; older notation c.2568_2571delGGAT).
Protein change: p.Met856fs; shifts the reading frame from methionine 856.
Molecular consequence: frameshift variant. On other transcripts: 3 prime UTR variant (2), non-coding transcript variant (1).
Genome position (GRCh38, 1-based): chr15:75,356,879-75,356,882, ATCC deleted on the plus strand (GGAT on the coding strand, the reverse complement: MAN2C1 is on the minus strand); deleting any 4 consecutive bases within chr15:75,356,879-75,356,887 gives the same sequence; the c. name uses the placement nearest the transcript's 3' end. VCF-style (leftmost placement, unchanged base first): chr15-75356878-GATCC-G. GRCh37 (hg19) VCF-style: chr15-75649219-GATCC-G.
Other names: c.2568_2571delGGAT (NM_006715.4); c.2619_2622del, p.Met873fs (NM_001256494.2); c.2568_2571del, p.Met856fs (NM_001256495.2); c.2271_2274del, p.Met757fs (NM_001256496.2); c.*1846TCCA[1] (NM_001352520.2, NM_024608.4); c.2619_2622delGGAT (NM_001256494.1); short protein forms M757fs, M856fs, M873fs.
Identifiers: ClinVar variation 4847124 (VCV004847124.2).